The following is an entry in ClinVar:

NM_005720.4(ARPC1B):c.479G>T (p.Gly160Val)

Gene: ARPC1B (actin related protein 2/3 complex subunit 1B; plus strand). Cytogenetic location: 7q22.1.
Variant type: single nucleotide variant.
Coding change: c.479G>T on transcript NM_005720.4 (MANE Select); coding-DNA position 479, G replaced by T.
Protein change: p.Gly160Val; replaces glycine 160 with valine.
Molecular consequence: missense variant.
Genome position (GRCh38, 1-based): chr7:99,389,991, G>T. VCF-style: chr7-99389991-G-T. GRCh37 (hg19) VCF-style: chr7-98987614-G-T.
Other names: short protein forms G160V.
Identifiers: ClinVar variation 1381458 (VCV001381458.8), dbSNP rs1232771702, ClinGen allele CA368321160.

ClinVar aggregate classification (germline): Uncertain significance (1 of 4 stars; one submission).

Submission:

Labcorp Genetics (formerly Invitae), Labcorp
Classification: Uncertain significance. Last evaluated: 2023-12-11. Review status: criteria provided, single submitter. Criteria: Invitae Variant Classification Sherloc (09022015). Collection method: clinical testing. Allele origin: germline.
Comment: This sequence change replaces glycine, which is neutral and non-polar, with valine, which is neutral and non-polar, at codon 160 of the ARPC1B protein (p.Gly160Val). This variant is not present in population databases (gnomAD no frequency). This variant has not been reported in the literature in individuals affected with ARPC1B-related conditions. ClinVar contains an entry for this variant (Variation ID: 1381458). Advanced modeling of protein sequence and biophysical properties (such as structural, functional, and spatial information, amino acid conservation, physicochemical variation, residue mobility, and thermodynamic stability) performed at Invitae indicates that this missense variant is expected to disrupt ARPC1B protein function with a positive predictive value of 80%. In summary, the available evidence is currently insufficient to determine the role of this variant in disease. Therefore, it has been classified as a Variant of Uncertain Significance.